The following is an entry in ClinVar:

NM_000059.4(BRCA2):c.6511G>A (p.Val2171Met)

Gene: BRCA2 (BRCA2 DNA repair associated; plus strand). Cytogenetic location: 13q13.1.
Variant type: single nucleotide variant.
Coding change: c.6511G>A on transcript NM_000059.4 (MANE Select); coding-DNA position 6511, G replaced by A.
Protein change: p.Val2171Met; replaces valine 2171 with methionine.
Molecular consequence: missense variant.
Genome position (GRCh38, 1-based): chr13:32,340,866, G>A. VCF-style: chr13-32340866-G-A. GRCh37 (hg19) VCF-style: chr13-32915003-G-A.
Other names: short protein forms V2171M.
Identifiers: ClinVar variation 570023 (VCV000570023.12), dbSNP rs1566234797, ClinGen allele CA387789580.

ClinVar aggregate classification (germline): Conflicting classifications of pathogenicity. Review status: criteria provided, conflicting classifications (1 of 4 stars). 2 submissions from 2 submitters: Uncertain significance (1); Likely benign (1). Last evaluated 2023-03-23.

Conditions:
Hereditary breast ovarian cancer syndrome. Also called: Hereditary breast and ovarian cancer syndrome; Breast and ovarian cancer; Hereditary breast and ovarian cancer; Hereditary breast and/or ovarian cancer syndrome; Hereditary breast and ovarian cancer syndrome (HBOC); BRCA1- and BRCA2-Associated Hereditary Breast and Ovarian Cancer. Identifiers: Orphanet 145, MedGen C0677776, MeSH D061325, MONDO:0003582. Disease mechanism: loss of function.
Hereditary cancer-predisposing syndrome. Also called: Hereditary neoplastic syndrome; Tumor predisposition; Neoplastic Syndromes, Hereditary; Hereditary Cancer Syndrome. Identifiers: Orphanet 140162, MedGen C0027672, MeSH D009386, MONDO:0015356.

Submissions (2):

University of Washington Department of Laboratory Medicine, University of Washington
Classification: Likely benign for Hereditary cancer-predisposing syndrome. Last evaluated: 2023-03-23. Review status: criteria provided, single submitter. Criteria: Dines et al. (Genet Med. 2020). Collection method: curation. Allele origin: germline.
Comment: Missense variant in a coldspot region where missense variants are very unlikely to be pathogenic (PMID:31911673).

BRCA2 exon 11 coldspot. Reclassification based on statistical prior probability.

Labcorp Genetics (formerly Invitae), Labcorp
Classification: Uncertain significance for Hereditary breast ovarian cancer syndrome. Last evaluated: 2019-12-03. Review status: criteria provided, single submitter. Criteria: Invitae Variant Classification Sherloc (09022015). Collection method: clinical testing. Allele origin: germline.
Comment: In summary, the available evidence is currently insufficient to determine the role of this variant in disease. Therefore, it has been classified as a Variant of Uncertain Significance. Algorithms developed to predict the effect of missense changes on protein structure and function do not agree on the potential impact of this missense change (SIFT: "Tolerated"; PolyPhen-2: "Possibly Damaging"; Align-GVGD: "Class C0"). This variant has not been reported in the literature in individuals with BRCA2-related disease. This variant is not present in population databases (ExAC no frequency). This sequence change replaces valine with methionine at codon 2171 of the BRCA2 protein (p.Val2171Met). The valine residue is weakly conserved and there is a small physicochemical difference between valine and methionine.